The following is an entry in ClinVar:

ClinVar aggregate classification (germline): Uncertain significance (1 of 4 stars; one submission).

Conditions:
Encephalopathy, acute, infection-induced (herpes-specific), susceptibility to, 1. Also called: Herpes simplex encephalitis, susceptibility to, 1. Identifiers: Orphanet 1930, MedGen C2750180, MONDO:0024563, OMIM 610551.

gnomAD v4.1: 4 of 1,562,382 alleles (0.00026%); highest among the groups gnomAD compares: Non-Finnish European, 0.00035%; no homozygotes.

Submission:

Labcorp Genetics (formerly Invitae), Labcorp
Classification: Uncertain significance for Encephalopathy, acute, infection-induced (herpes-specific), susceptibility to, 1. Last evaluated: 2022-02-03. Review status: criteria provided, single submitter. Criteria: Invitae Variant Classification Sherloc (09022015). Collection method: clinical testing. Allele origin: germline.
Comment: In summary, the available evidence is currently insufficient to determine the role of this variant in disease. Therefore, it has been classified as a Variant of Uncertain Significance. Experimental studies and prediction algorithms are not available or were not evaluated, and the functional significance of this variant is currently unknown. This sequence change replaces arginine, which is basic and polar, with proline, which is neutral and non-polar, at codon 312 of the UNC93B1 protein (p.Arg312Pro). This variant is not present in population databases (gnomAD no frequency). This variant has not been reported in the literature in individuals affected with UNC93B1-related conditions.

NM_030930.4(UNC93B1):c.935G>C (p.Arg312Pro)

Gene: UNC93B1 (unc-93B1 regulator of TLR signaling; minus strand). Cytogenetic location: 11q13.2.
Variant type: single nucleotide variant.
Coding change: c.935G>C on transcript NM_030930.4 (MANE Select); coding-DNA position 935, G replaced by C.
Protein change: p.Arg312Pro; replaces arginine 312 with proline.
Molecular consequence: missense variant.
Genome position (GRCh38, 1-based): chr11:67,996,756, C>G on the plus strand (G>C on the coding strand, the complement: UNC93B1 is on the minus strand). VCF-style: chr11-67996756-C-G. GRCh37 (hg19) VCF-style: chr11-67764227-C-G.
Other names: short protein forms R312P.
Identifiers: ClinVar variation 1908902 (VCV001908902.5), dbSNP rs2495482944, ClinGen allele CA381573173.
Genomic context (GRCh38, chr11:67,996,756, plus strand): 5'-AAGGGCAGCTGGAAGATGTTGCCCCAGCCCACGCTGCGCAGATCGATCTCCTCCGTGGGC[C>G]GGTAAGCGGCTCCGCACAAACCCAGCACCTGCGAACCCATTACTTGAAGGGGCGGCCAGC-3'
Protein context (NP_112192.2, residues 302-322): LVLGLCGAAY[Arg312Pro]PTEEIDLRSV